The following is an entry in ClinVar:

NM_003280.3(TNNC1):c.383T>A (p.Ile128Asn)

Gene: TNNC1 (troponin C1, slow skeletal and cardiac type; minus strand). Cytogenetic location: 3p21.1.
Variant type: single nucleotide variant.
Coding change: c.383T>A on transcript NM_003280.3 (MANE Select); coding-DNA position 383, T replaced by A.
Protein change: p.Ile128Asn; replaces isoleucine 128 with asparagine.
Molecular consequence: missense variant.
Genome position (GRCh38, 1-based): chr3:52,451,462, A>T on the plus strand (T>A on the coding strand, the complement: TNNC1 is on the minus strand). VCF-style: chr3-52451462-A-T. GRCh37 (hg19) VCF-style: chr3-52485478-A-T.
Other names: short protein forms I128N.
Identifiers: ClinVar variation 4793698 (VCV004793698.1).

ClinVar aggregate classification (germline): Uncertain significance (1 of 4 stars; one submission).

Conditions:
Dilated cardiomyopathy 1Z (CMD1Z). Identifiers: Orphanet 154, MedGen C2678475, MONDO:0012745, OMIM 611879.
Hypertrophic cardiomyopathy 13. Also called: TNNC1-Related Familial Hypertrophic Cardiomyopathy. Identifiers: MedGen C2750472, MONDO:0013195, OMIM 613243.

Submission:

Labcorp Genetics (formerly Invitae), Labcorp
Classification: Uncertain significance for Hypertrophic cardiomyopathy 13; Dilated cardiomyopathy 1Z. Last evaluated: 2025-08-05. Review status: criteria provided, single submitter. Criteria: Invitae Variant Classification Sherloc (09022015). Collection method: clinical testing. Allele origin: germline.
Comment: This sequence change replaces isoleucine, which is neutral and non-polar, with asparagine, which is neutral and polar, at codon 128 of the TNNC1 protein (p.Ile128Asn). This variant is not present in population databases (gnomAD no frequency). This variant has not been reported in the literature in individuals affected with TNNC1-related conditions. An algorithm developed to predict the effect of missense changes on protein structure and function (PolyPhen-2) suggests that this variant is likely to be disruptive. In summary, the available evidence is currently insufficient to determine the role of this variant in disease. Therefore, it has been classified as a Variant of Uncertain Significance.